The following is an entry in ClinVar:

ClinVar aggregate classification (germline): Likely benign. Review status: criteria provided, multiple submitters, no conflicts (2 of 4 stars). 2 submissions from 2 submitters: Likely benign (2). Last evaluated 2025-12-01.

gnomAD v4.1: 69 of 1,613,644 alleles (0.0043%); highest among the groups gnomAD compares: East Asian, 0.0089%; no homozygotes.

Submissions (2):

CeGaT Center for Human Genetics Tuebingen
Classification: Likely benign. Last evaluated: 2025-12-01. Review status: criteria provided, single submitter. Criteria: CeGaT Center For Human Genetics Tuebingen Variant Classification Criteria Version 2. Collection method: clinical testing. Allele origin: germline. Affected: yes. Observed: 1 variant allele.
Comment: TRIO: BP4, BP7

Blueprint Genetics
Classification: Likely benign. Last evaluated: 2024-05-28. Review status: criteria provided, single submitter. Criteria: ACMG Guidelines, 2015. Collection method: clinical testing. Allele origin: germline.

NM_007118.4(TRIO):c.2382C>T (p.Asp794=)

Gene: TRIO (trio Rho guanine nucleotide exchange factor; plus strand). Cytogenetic location: 5p15.2.
Variant type: single nucleotide variant.
Coding change: c.2382C>T on transcript NM_007118.4 (MANE Select); coding-DNA position 2382, C replaced by T.
Protein change: p.Asp794=; no amino-acid change (aspartic acid 794 retained).
Molecular consequence: synonymous variant. On other transcripts: non-coding transcript variant (1).
Genome position (GRCh38, 1-based): chr5:14,359,522, C>T. VCF-style: chr5-14359522-C-T. GRCh37 (hg19) VCF-style: chr5-14359631-C-T.
Identifiers: ClinVar variation 4821803 (VCV004821803.5).